The following is an entry in ClinVar:

ClinVar aggregate classification (germline): Uncertain significance (1 of 4 stars; one submission).

Submission:

Labcorp Genetics (formerly Invitae), Labcorp
Classification: Uncertain significance. Last evaluated: 2022-07-05. Review status: criteria provided, single submitter. Criteria: Invitae Variant Classification Sherloc (09022015). Collection method: clinical testing. Allele origin: germline.
Comment: In summary, the available evidence is currently insufficient to determine the role of this variant in disease. Therefore, it has been classified as a Variant of Uncertain Significance. Advanced modeling of protein sequence and biophysical properties (such as structural, functional, and spatial information, amino acid conservation, physicochemical variation, residue mobility, and thermodynamic stability) performed at Invitae indicates that this missense variant is expected to disrupt COL11A1 protein function. This variant has not been reported in the literature in individuals affected with COL11A1-related conditions. This variant is not present in population databases (gnomAD no frequency). This sequence change replaces glycine, which is neutral and non-polar, with aspartic acid, which is acidic and polar, at codon 1096 of the COL11A1 protein (p.Gly1096Asp).

NM_001854.4(COL11A1):c.3287G>A (p.Gly1096Asp)

Gene: COL11A1 (collagen type XI alpha 1 chain; minus strand). Cytogenetic location: 1p21.1.
Variant type: single nucleotide variant.
Coding change: c.3287G>A on transcript NM_001854.4 (MANE Select); coding-DNA position 3287, G replaced by A.
Protein change: p.Gly1096Asp; replaces glycine 1096 with aspartic acid.
Molecular consequence: missense variant. On other transcripts: non-coding transcript variant (1).
Genome position (GRCh38, 1-based): chr1:102,940,424, C>T on the plus strand (G>A on the coding strand, the complement: COL11A1 is on the minus strand). VCF-style: chr1-102940424-C-T. GRCh37 (hg19) VCF-style: chr1-103405980-C-T.
Other names: c.2939G>A, p.Gly980Asp (NM_001168249.1, NM_080630.4); c.3170G>A, p.Gly1057Asp (NM_001190709.2); c.3323G>A, p.Gly1108Asp (NM_080629.3); short protein forms G1096D, G980D, G1057D, G1108D.
Identifiers: ClinVar variation 2061093 (VCV002061093.4), dbSNP rs772562171, ClinGen allele CA341170054.
Genomic context (GRCh38, chr1:102,940,424, plus strand): 5'-GCTGGCCCTGGGAGACCAACAGGACCTTGAACTCCATCTCTCCCTGCAGGCCCTTGGGGA[C>T]CTTTTTCTCCCTGTATTGAATATCCAAAGATCATTAATTTTACAGTTTTGAAGTGCAGCT-3'
Protein context (NP_001845.3, residues 1086-1106): AGEKGAPGEK[Gly1096Asp]PQGPAGRDGV